The following is an entry in ClinVar:

NM_001035.3(RYR2):c.3762G>T (p.Arg1254Ser)

Gene: RYR2 (ryanodine receptor 2; plus strand). Cytogenetic location: 1q43.
Variant type: single nucleotide variant.
Coding change: c.3762G>T on transcript NM_001035.3 (MANE Select); coding-DNA position 3762, G replaced by T.
Protein change: p.Arg1254Ser; replaces arginine 1254 with serine.
Molecular consequence: missense variant.
Genome position (GRCh38, 1-based): chr1:237,589,956, G>T. VCF-style: chr1-237589956-G-T. GRCh37 (hg19) VCF-style: chr1-237753256-G-T.
Other names: short protein forms R1254S.
Identifiers: ClinVar variation 3069831 (VCV003069831.1), dbSNP rs1200075909, ClinGen allele CA345396501.

ClinVar aggregate classification (germline): Uncertain significance (1 of 4 stars; one submission).

Conditions:
Catecholaminergic polymorphic ventricular tachycardia (CVPT). Also called: Catecholamine-induced polymorphic ventricular tachycardia. Identifiers: Orphanet 3286, MedGen C5574922, MONDO:0017990.

Allele frequency attached by ClinVar (database versions not stated): TOPMed below 0.00001.
gnomAD v4.1: 1 of 1,613,858 alleles (0.000062%); highest among the groups gnomAD compares: Non-Finnish European, 0.000085%; no homozygotes.

Submission:

All of Us Research Program, National Institutes of Health
Classification: Uncertain significance for Catecholaminergic polymorphic ventricular tachycardia. Last evaluated: 2023-03-09. Review status: criteria provided, single submitter. Criteria: ACMG Guidelines, 2015. Collection method: clinical testing. Allele origin: germline. Inheritance: Autosomal dominant inheritance. Observed: 1 variant allele, 1 heterozygote.
Comment: This missense variant replaces arginine with serine at codon 1254 of the RYR2 protein. Computational prediction is inconclusive regarding the impact of this variant on protein structure and function (internally defined REVEL score threshold 0.5 < inconclusive < 0.7, PMID: 27666373). To our knowledge, functional studies have not been reported for this variant. This variant has not been reported in individuals affected with RYR2-related disorders in the literature. This variant has not been identified in the general population by the Genome Aggregation Database (gnomAD). The available evidence is insufficient to determine the role of this variant in disease conclusively. Therefore, this variant is classified as a Variant of Uncertain Significance.

This study involves interpretation of variants in research participants for the purpose of population health screening. Participant phenotype was not available at the time of variant classification. Additional details can be found in publication PMID: 35346344, PMCID: PMC8962531